The following is an entry in ClinVar:

NM_153704.6(TMEM67):c.983C>T (p.Thr328Ile)

Gene: TMEM67 (transmembrane protein 67; plus strand). Cytogenetic location: 8q22.1.
Variant type: single nucleotide variant.
Coding change: c.983C>T on transcript NM_153704.6 (MANE Select); coding-DNA position 983, C replaced by T.
Protein change: p.Thr328Ile; replaces threonine 328 with isoleucine.
Molecular consequence: missense variant. On other transcripts: non-coding transcript variant (1).
Genome position (GRCh38, 1-based): chr8:93,781,662, C>T. VCF-style: chr8-93781662-C-T. GRCh37 (hg19) VCF-style: chr8-94793890-C-T.
Other names: c.983C>T (NM_153704.5); c.740C>T, p.Thr247Ile (NM_001142301.1); short protein forms T247I, T328I.
Identifiers: ClinVar variation 1359973 (VCV001359973.6), dbSNP rs776653840, ClinGen allele CA4807843.

ClinVar aggregate classification (germline): Uncertain significance. Review status: criteria provided, multiple submitters, no conflicts (2 of 4 stars). 2 submissions from 2 submitters: Uncertain significance (2). Last evaluated 2025-12-10.

Conditions:
Joubert syndrome. Also called: Familial aplasia of the vermis; JOUBERT-BOLTSHAUSER SYNDROME. Identifiers: Orphanet 475, MedGen C5979921, MONDO:0018772.
Meckel-Gruber syndrome. Also called: Dysencephalia splachnocystica; GRUBER SYNDROME; DYSENCEPHALIA SPLANCHNOCYSTICA. Identifiers: Orphanet 564, MedGen C0265215, MONDO:0018921.
TMEM67-related disorder. Also called: TMEM67-related disorders; TMEM67-related condition. Identifiers: MedGen CN239423.

Allele frequency attached by ClinVar (database versions not stated): TOPMed below 0.00001; ExAC 0.00001; gnomAD exomes 0.00001.
gnomAD v4.1: 6 of 1,583,504 alleles (0.00038%); highest among the groups gnomAD compares: Non-Finnish European, 0.00035%; no homozygotes.

Submissions (2):

PreventionGenetics, part of Exact Sciences
Classification: Uncertain significance for TMEM67-related condition. Last evaluated: 2025-12-10. Review status: criteria provided, single submitter. Criteria: ACMG Guidelines, 2015. Collection method: clinical testing. Allele origin: germline.
Comment: The TMEM67 c.983C>T variant is predicted to result in the amino acid substitution p.Thr328Ile. To our knowledge, this variant has not been reported in the literature. This variant is reported in 0.0027% of alleles in individuals of European (Non-Finnish) descent in gnomAD. At this time, the clinical significance of this variant is uncertain due to the absence of conclusive functional and genetic evidence.

Labcorp Genetics (formerly Invitae), Labcorp
Classification: Uncertain significance for Joubert syndrome; Meckel-Gruber syndrome. Last evaluated: 2021-08-31. Review status: criteria provided, single submitter. Criteria: Invitae Variant Classification Sherloc (09022015). Collection method: clinical testing. Allele origin: germline.
Comment: This sequence change replaces threonine with isoleucine at codon 328 of the TMEM67 protein (p.Thr328Ile). The threonine residue is weakly conserved and there is a moderate physicochemical difference between threonine and isoleucine. This variant is present in population databases (rs776653840, ExAC 0.002%). This variant has not been reported in the literature in individuals affected with TMEM67-related conditions. Advanced modeling of protein sequence and biophysical properties (such as structural, functional, and spatial information, amino acid conservation, physicochemical variation, residue mobility, and thermodynamic stability) performed at Invitae indicates that this missense variant is not expected to disrupt TMEM67 protein function. In summary, the available evidence is currently insufficient to determine the role of this variant in disease. Therefore, it has been classified as a Variant of Uncertain Significance.